The following is an entry in ClinVar:

NM_003906.5(MCM3AP):c.4006G>A (p.Val1336Met)

Gene: MCM3AP (minichromosome maintenance complex component 3 associated protein; minus strand). Cytogenetic location: 21q22.3.
Variant type: single nucleotide variant.
Coding change: c.4006G>A on transcript NM_003906.5 (MANE Select); coding-DNA position 4006, G replaced by A.
Protein change: p.Val1336Met; replaces valine 1336 with methionine.
Molecular consequence: missense variant.
Genome position (GRCh38, 1-based): chr21:46,254,522, C>T on the plus strand (G>A on the coding strand, the complement: MCM3AP is on the minus strand). VCF-style: chr21-46254522-C-T. GRCh37 (hg19) VCF-style: chr21-47674436-C-T.
Other names: c.4006G>A (NM_003906.3); short protein forms V1336M.
Identifiers: ClinVar variation 1521368 (VCV001521368.5), dbSNP rs562417353, ClinGen allele CA10076270.
Genomic context (GRCh38, chr21:46,254,522, plus strand): 5'-CCTGCCTCCCAGGGAGGTGCTCAGCCACGAGGGATGGCAGGTCCAGAGACGCCCATGCCA[C>T]ATCACTGGGAGGAACAGACCACCGTGGATTAGCCAGTGTGTGAGACCCTTGCAGGAGCAG-3'
Protein context (NP_003897.2, residues 1326-1346): QHFYQQLLSD[Val1336Met]AWASLDLPSL

ClinVar aggregate classification (germline): Uncertain significance. Review status: criteria provided, multiple submitters, no conflicts (2 of 4 stars). 2 submissions from 2 submitters: Uncertain significance (2). Last evaluated 2024-06-10.

Conditions:
Inborn genetic diseases. Identifiers: MedGen C0950123, MeSH D030342.

Allele frequency attached by ClinVar (database versions not stated): gnomAD exomes 0.00002 and 0.00005; gnomAD 0.00003 and 0.00004; TOPMed 0.00003; ExAC 0.00005; 1000 Genomes Project 30x 0.00016; 1000 Genomes Project 0.00020.
gnomAD v4.1: 30 of 1,614,044 alleles (0.0019%); highest among the groups gnomAD compares: Admixed American, 0.03%; no homozygotes.

Submissions (2):

Ambry Genetics
Classification: Uncertain significance for Inborn genetic diseases. Last evaluated: 2024-06-10. Review status: criteria provided, single submitter. Criteria: Ambry Variant Classification Scheme 2023. Collection method: clinical testing. Allele origin: germline.

Labcorp Genetics (formerly Invitae), Labcorp
Classification: Uncertain significance. Last evaluated: 2022-09-13. Review status: criteria provided, single submitter. Criteria: Invitae Variant Classification Sherloc (09022015). Collection method: clinical testing. Allele origin: germline.
Comment: In summary, the available evidence is currently insufficient to determine the role of this variant in disease. Therefore, it has been classified as a Variant of Uncertain Significance. Algorithms developed to predict the effect of missense changes on protein structure and function (SIFT, PolyPhen-2, Align-GVGD) all suggest that this variant is likely to be tolerated. ClinVar contains an entry for this variant (Variation ID: 1521368). This variant has not been reported in the literature in individuals affected with MCM3AP-related conditions. This variant is present in population databases (rs562417353, gnomAD 0.02%). This sequence change replaces valine, which is neutral and non-polar, with methionine, which is neutral and non-polar, at codon 1336 of the MCM3AP protein (p.Val1336Met).